The following is an entry in ClinVar:

ClinVar aggregate classification (germline): Likely pathogenic. Review status: criteria provided, single submitter (1 of 4 stars). 2 submissions from 2 submitters: Likely pathogenic (1). 1 of the submissions does not count toward it. Last evaluated 2015-08-01.

Conditions:
Macrocephaly, dysmorphic facies, and psychomotor retardation (MDFPMR). Identifiers: Orphanet 457359, MedGen C4310766, MONDO:0014863, OMIM 617011.
Megalencephaly with thick corpus callosum, cerebellar atrophy, and intellectual disability. Identifiers: MedGen CN228136.

Submissions (2):

Diagnostics Division, CENTRE FOR DNA FINGERPRINTING AND DIAGNOSTICS
Classification: Likely pathogenic for Megalencephaly with thick corpus callosum, cerebellar atrophy, and intellectual disability. Last evaluated: 2015-08-01. Review status: criteria provided, single submitter. Criteria: Submitter's publication. Collection method: research. Allele origin: germline. Affected: yes. Observed: 2 variant alleles.
Comment: 3'-splice site mutation

OMIM
Classification: Pathogenic for MACROCEPHALY, DYSMORPHIC FACIES, AND PSYCHOMOTOR RETARDATION. Last evaluated: 2016-08-04. Review status: no assertion criteria provided. Collection method: literature only. Allele origin: germline. Not counted in ClinVar's aggregate classification.

Literature cited by the submitters: PubMed 27108999 (cited by OMIM).

NM_003922.4(HERC1):c.4906-2A>C

Gene: HERC1 (HECT and RLD domain containing E3 ubiquitin protein ligase family member 1; minus strand). Cytogenetic location: 15q22.31.
Variant type: single nucleotide variant.
Coding change: c.4906-2A>C on transcript NM_003922.4 (MANE Select); the canonical splice acceptor site of the intron before coding-DNA position 4906, A replaced by C.
Molecular consequence: splice acceptor variant.
Genome position (GRCh38, 1-based): chr15:63,696,341, T>G on the plus strand (A>C on the coding strand, the complement: HERC1 is on the minus strand). VCF-style: chr15-63696341-T-G. GRCh37 (hg19) VCF-style: chr15-63988540-T-G.
Other names: IVS26, A-C, -2.
Identifiers: ClinVar variation 208859 (VCV000208859.4), dbSNP rs797045141, ClinGen allele CA204959.